The following is an entry in ClinVar:

ClinVar aggregate classification (germline): Benign/Likely benign. Review status: criteria provided, multiple submitters, no conflicts (2 of 4 stars). 12 submissions from 12 submitters: Benign (1); Likely benign (10). 1 of the submissions does not count toward it. Last evaluated 2026-05-01.

Conditions:
TTN-related disorder. Also called: TTN-related condition; TTN-related disease; TTN-related disorders.
Autosomal recessive limb-girdle muscular dystrophy type 2J (LGMDR10). Also called: Limb-girdle muscular dystrophy, type 2J; MUSCULAR DYSTROPHY, LIMB-GIRDLE, AUTOSOMAL RECESSIVE 10. Identifiers: Orphanet 140922, MedGen C1837342, MONDO:0012127, OMIM 608807.
Dilated cardiomyopathy 1G (CMD1G). Identifiers: Orphanet 154, MedGen C1858763, MONDO:0011400, OMIM 604145.
Cardiovascular phenotype. Identifiers: MedGen CN230736.
Cardiomyopathy (CMYO). Also called: Cardiomyopathies. Identifiers: Orphanet 167848, MedGen C0878544, MONDO:0004994, HP:0001638. Inheritance: Various modes of inheritance.
Primary dilated cardiomyopathy (DCM). Also called: Dilated Cardiomyopathy. Identifiers: Orphanet 217604, MedGen C0007193, MeSH D002311, MONDO:0005021, HP:0001644. Inheritance: Various modes of inheritance.

Allele frequency attached by ClinVar (database versions not stated): gnomAD exomes 0.00006 and 0.00033; gnomAD 0.00015; TOPMed 0.00023; ExAC 0.00028; 1000 Genomes Project 30x 0.00062; 1000 Genomes Project 0.00080.
gnomAD v4.1: 157 of 1,613,922 alleles (0.0097%); highest among the groups gnomAD compares: East Asian, 0.22%; no homozygotes.

Submissions (12):

CeGaT Center for Human Genetics Tuebingen
Classification: Likely benign. Last evaluated: 2026-05-01. Review status: criteria provided, single submitter. Criteria: CeGaT Center For Human Genetics Tuebingen Variant Classification Criteria Version 2. Collection method: clinical testing. Allele origin: germline. Affected: yes. Observed: 2 variant alleles.
Comment: TTN: BS1

Women's Health and Genetics/Laboratory Corporation of America, LabCorp
Classification: Likely benign. Last evaluated: 2026-04-29. Review status: criteria provided, single submitter. Criteria: LabCorp Variant Classification Summary - May 2015. Collection method: clinical testing. Allele origin: germline.
Comment: Variant summary: TTN c.84995A>G (p.Asn28332Ser) results in a conservative amino acid change in the encoded protein sequence. Algorithms developed to predict the effect of missense changes on protein structure and function are either unavailable or do not agree on the potential impact of this missense change. The variant allele was found at a frequency of 0.00033 in 248822 control chromosomes, predominantly at a frequency of 0.0043 within the East Asian subpopulation in the gnomAD database. The observed variant frequency within East Asian control individuals in the gnomAD database exceeds the estimated maximal expected allele frequency for disease-causing variants in TTN. c.84995A>G has been observed in individuals affected with Dilated Cardiomyopathy or Neuromuscular Disease (e.g. Tian_2015, Al-Shafai_2021). These reports do not provide unequivocal conclusions about association of the variant with TTN-related conditions. To our knowledge, no experimental evidence demonstrating an impact on protein function has been reported. The following publications have been ascertained in the context of this evaluation (PMID: 27066551, 34137518). ClinVar contains an entry for this variant (Variation ID: 202990). Based on the evidence outlined above, the variant was classified as likely benign.

Labcorp Genetics (formerly Invitae), Labcorp
Classification: Likely benign for Dilated cardiomyopathy 1G; Autosomal recessive limb-girdle muscular dystrophy type 2J. Last evaluated: 2026-01-05. Review status: criteria provided, single submitter. Criteria: Invitae Variant Classification Sherloc (09022015). Collection method: clinical testing. Allele origin: germline.

ARUP Laboratories, Molecular Genetics and Genomics, ARUP Laboratories
Classification: Likely benign. Last evaluated: 2025-04-21. Review status: criteria provided, single submitter. Criteria: ARUP Molecular Germline Variant Investigation Process 2024. Collection method: clinical testing. Allele origin: germline.

Molecular Diagnostic Laboratory for Inherited Cardiovascular Disease, Montreal Heart Institute
Classification: Likely benign. Last evaluated: 2025-04-09. Review status: criteria provided, single submitter. Criteria: ACMG Guidelines, 2015. Collection method: clinical testing. Allele origin: germline. Affected: no.

Blueprint Genetics
Classification: Likely benign. Last evaluated: 2024-11-06. Review status: criteria provided, single submitter. Criteria: ACMG Guidelines, 2015. Collection method: clinical testing. Allele origin: germline.

GeneDx
Classification: Likely benign. Last evaluated: 2020-07-14. Review status: criteria provided, single submitter. Criteria: GeneDx Variant Classification Process June 2021. Collection method: clinical testing. Allele origin: germline. Affected: yes.
Comment: This variant is associated with the following publications: (PMID: 27066551)

CHEO Genetics Diagnostic Laboratory, Children's Hospital of Eastern Ontario
Classification: Benign for Cardiomyopathy. Last evaluated: 2020-06-02. Review status: criteria provided, single submitter. Criteria: ACMG Guidelines, 2015. Collection method: clinical testing. Allele origin: germline. Study: Canadian Open Genetics Repository.

Ambry Genetics
Classification: Likely benign for Cardiovascular phenotype. Last evaluated: 2019-09-23. Review status: criteria provided, single submitter. Criteria: Ambry Variant Classification Scheme 2023. Collection method: clinical testing. Allele origin: germline.

Eurofins Ntd Llc (ga)
Classification: Likely benign. Last evaluated: 2016-06-07. Review status: criteria provided, single submitter. Criteria: EGL Classification Definitions 2015. Collection method: clinical testing. Allele origin: germline. Observed: 1 variant allele, 1 heterozygote.

Genetics and Genomics Program, Sidra Medicine
Classification: Likely benign for Primary dilated cardiomyopathy. Review status: criteria provided, single submitter. Criteria: ACMG Guidelines, 2015. Collection method: research. Allele origin: unknown. Affected: yes. Observed: 1 variant allele.

PreventionGenetics, part of Exact Sciences
Classification: Likely benign for TTN-related condition. Last evaluated: 2024-02-15. Review status: no assertion criteria provided. Collection method: clinical testing. Allele origin: germline. Not counted in ClinVar's aggregate classification.
Comment: This variant is classified as likely benign based on ACMG/AMP sequence variant interpretation guidelines (Richards et al. 2015 PMID: 25741868, with internal and published modifications).

Literature cited by the submitters: PubMed 27066551 (cited by Women's Health and Genetics/Laboratory Corporation of America, LabCorp); PubMed 34137518 (cited by Women's Health and Genetics/Laboratory Corporation of America, LabCorp).

NM_001267550.2(TTN):c.92699A>G (p.Asn30900Ser)

Genes: TTN-AS1 (TTN antisense RNA 1; plus strand), TTN (titin; minus strand). Cytogenetic location: 2q31.2.
Variant type: single nucleotide variant.
Coding change: c.92699A>G on transcript NM_001267550.2 (MANE Select); coding-DNA position 92699, A replaced by G.
Protein change: p.Asn30900Ser; replaces asparagine 30900 with serine.
Molecular consequence: missense variant.
Genome position (GRCh38, 1-based): chr2:178,548,927, T>C on the plus strand (A>G on the coding strand, the complement: TTN is on the minus strand). VCF-style: chr2-178548927-T-C. GRCh37 (hg19) VCF-style: chr2-179413654-T-C.
Other names: p.N29259S:AAT>AGT; c.87776A>G, p.Asn29259Ser (NM_001256850.1); c.65504A>G, p.Asn21835Ser (NM_003319.4); c.84995A>G, p.Asn28332Ser (NM_133378.4); c.65879A>G, p.Asn21960Ser (NM_133432.3); c.66080A>G, p.Asn22027Ser (NM_133437.4); short protein forms N29259S, N30900S, N21835S, N28332S, N21960S, N22027S.
Identifiers: ClinVar variation 202990 (VCV000202990.76), dbSNP rs186234393, ClinGen allele CA310908.